The following is an entry in ClinVar:

NM_001184880.2(PCDH19):c.2501dup (p.Asn834fs)

Genes: PCDH19 (protocadherin 19; minus strand), LOC125467768 (CDK7 strongly-dependent group 2 enhancer GRCh37_chrX:99657381-99658580; plus strand). Cytogenetic location: Xq22.1.
Variant type: Duplication.
Coding change: c.2501dup on transcript NM_001184880.2 (MANE Select); coding-DNA position 2501, one base duplicated (A; older notation c.2501dupA).
Protein change: p.Asn834fs; shifts the reading frame from asparagine 834.
Molecular consequence: frameshift variant.
Genome position (GRCh38, 1-based): chrX:100,402,639, T duplicated on the plus strand (A on the coding strand, the reverse complement: PCDH19 is on the minus strand); the first of 2 consecutive T bases (chrX:100,402,639-100,402,640); duplicating either gives the same sequence. VCF-style (leftmost placement, unchanged base first): chrX-100402638-A-AT. GRCh37 (hg19) VCF-style: chrX-99657636-A-AT.
Other names: c.2360dup, p.Asn787fs (NM_001105243.2, NM_020766.3); short protein forms N787fs, N834fs.
Identifiers: ClinVar variation 422860 (VCV000422860.2), dbSNP rs1555984437, ClinGen allele CA16621146.

ClinVar aggregate classification (germline): Likely pathogenic (1 of 4 stars; one submission).

Submission:

GeneDx
Classification: Likely pathogenic. Last evaluated: 2017-06-28. Review status: criteria provided, single submitter. Criteria: GeneDx Variant Classification (06012015). Collection method: clinical testing. Allele origin: germline. Affected: yes.
Comment: A novel c.2501dupA variant that is likely pathogenic has been identified in the PCDH19 gene. The c.2501dupA has not been published as a pathogenic variant, nor has it been reported as a benign variant to our knowledge. The c.2501dupA variant is not observed in large population cohorts (Lek et al., 2016; 1000 Genomes Consortium et al., 2015; Exome Variant Server). The c.2501dupA variant causes a frameshift starting with codon Asparagine 834, changes this amino acid to a Lysine residue and creates a premature Stop codon at position 13 of the new reading frame, denoted p.Asn834LysfsX13. This variant is predicted to cause loss of normal protein function either through protein truncation or nonsense-mediated mRNA decay. Therefore, this variant is likely pathogenic; however, the possibility that it is benign cannot be excluded.